The following is an entry in ClinVar:

ClinVar aggregate classification (germline): Benign/Likely benign. Review status: criteria provided, multiple submitters, no conflicts (2 of 4 stars). 8 submissions from 8 submitters: Benign (7); Likely benign (1). Last evaluated 2026-06-15.

Conditions:
Ehlers-Danlos syndrome, classic type, 1 (EDSCL1). Also called: Ehlers-Danlos syndrome, type 1; EHLERS-DANLOS SYNDROME, GRAVIS TYPE; EHLERS-DANLOS SYNDROME, SEVERE CLASSIC TYPE; Ehlers-Danlos Syndrome, Classic Type, COL5A1-Related; EDS I. Identifiers: MedGen C0268335, MONDO:0019567, OMIM 130000.
Ehlers-Danlos syndrome, classic type, 2 (EDSCL2). Also called: Ehlers-Danlos syndrome, type 2; Ehlers-Danlos syndrome type 2 (formerly); Ehlers-Danlos Syndrome, Classic Type, COL5A2-Related. Identifiers: Orphanet 287, Orphanet 90318, MedGen C0268336, MONDO:0019568, OMIM 130010.
Familial thoracic aortic aneurysm and aortic dissection (TAAD). Also called: Thoracic aortic aneurysms and dissections. Identifiers: Orphanet 91387, MedGen C4707243, MONDO:0019625.

Allele frequency attached by ClinVar (database versions not stated): gnomAD 0.00118; ExAC 0.00163; gnomAD exomes 0.00173; TOPMed 0.00186; 1000 Genomes Project 30x 0.00406; 1000 Genomes Project 0.00419.
gnomAD v4.1: 864 of 1,612,606 alleles (0.054%); highest among the groups gnomAD compares: East Asian, 1.7%; 8 homozygotes.

Submissions (8):

Women's Health and Genetics/Laboratory Corporation of America, LabCorp
Classification: Benign. Last evaluated: 2026-06-15. Review status: criteria provided, single submitter. Criteria: LabCorp Variant Classification Summary - May 2015. Collection method: clinical testing. Allele origin: germline.

Labcorp Genetics (formerly Invitae), Labcorp
Classification: Benign for Ehlers-Danlos syndrome, classic type, 1. Last evaluated: 2026-02-03. Review status: criteria provided, single submitter. Criteria: Invitae Variant Classification Sherloc (09022015). Collection method: clinical testing. Allele origin: germline.

Mayo Clinic Laboratories, Mayo Clinic
Classification: Benign. Last evaluated: 2025-09-05. Review status: criteria provided, single submitter. Criteria: ACMG Guidelines, 2015. Collection method: clinical testing. Allele origin: germline. Observed: 7 variant alleles.
Comment: BS1, BS2, BP4, BP5, BP7

Blueprint Genetics
Classification: Likely benign. Last evaluated: 2024-11-08. Review status: criteria provided, single submitter. Criteria: ACMG Guidelines, 2015. Collection method: clinical testing. Allele origin: germline.

ARUP Laboratories, Molecular Genetics and Genomics, ARUP Laboratories
Classification: Benign for Ehlers-Danlos syndrome, classic type, 2. Last evaluated: 2018-07-10. Review status: criteria provided, single submitter. Criteria: ARUP Molecular Germline Variant Investigation Process. Collection method: clinical testing. Allele origin: germline.

Illumina Laboratory Services, Illumina
Classification: Benign for Ehlers-Danlos syndrome, classic type, 2. Last evaluated: 2018-01-13. Review status: criteria provided, single submitter. Criteria: ICSL Variant Classification Criteria 13 December 2019. Collection method: clinical testing. Allele origin: germline.
Comment: This variant was observed in the ICSL laboratory as part of a predisposition screen in an ostensibly healthy population. It had not been previously curated by ICSL or reported in the Human Gene Mutation Database (HGMD: prior to June 1st, 2018), and was therefore a candidate for classification through an automated scoring system. Utilizing variant allele frequency, disease prevalence and penetrance estimates, and inheritance mode, an automated score was calculated to assess if this variant is too frequent to cause the disease. Based on the score and internal cut-off values, a variant classified as benign is not then subjected to further curation. The score for this variant resulted in a classification of benign for this disease.

Ambry Genetics
Classification: Benign for Familial thoracic aortic aneurysm and aortic dissection. Last evaluated: 2015-09-27. Review status: criteria provided, single submitter. Criteria: Ambry Variant Classification Scheme 2023. Collection method: clinical testing. Allele origin: germline.

GeneDx
Classification: Benign. Last evaluated: 2013-09-11. Review status: criteria provided, single submitter. Criteria: GeneDx Variant Classification (06012015). Collection method: clinical testing. Allele origin: germline. Affected: yes.
Comment: This variant is considered likely benign or benign based on one or more of the following criteria: it is a conservative change, it occurs at a poorly conserved position in the protein, it is predicted to be benign by multiple in silico algorithms, and/or has population frequency not consistent with disease.

NM_000393.5(COL5A2):c.1035G>C (p.Gly345=)

Gene: COL5A2 (collagen type V alpha 2 chain; minus strand). Cytogenetic location: 2q32.2.
Variant type: single nucleotide variant.
Coding change: c.1035G>C on transcript NM_000393.5 (MANE Select); coding-DNA position 1035, G replaced by C.
Protein change: p.Gly345=; no amino-acid change (glycine 345 retained).
Molecular consequence: synonymous variant.
Genome position (GRCh38, 1-based): chr2:189,078,540, C>G on the plus strand (G>C on the coding strand, the complement: COL5A2 is on the minus strand). VCF-style: chr2-189078540-C-G. GRCh37 (hg19) VCF-style: chr2-189943266-C-G.
Other names: p.G345G:GGG>GGC; p.Gly345=.
Identifiers: ClinVar variation 136934 (VCV000136934.30), dbSNP rs148786600, ClinGen allele CA290363.